The following is an entry in ClinVar:

NM_001160372.4(TRAPPC9):c.1194C>G (p.Ile398Met)

Gene: TRAPPC9 (trafficking protein particle complex subunit 9; minus strand). Cytogenetic location: 8q24.3.
Variant type: single nucleotide variant.
Coding change: c.1194C>G on transcript NM_001160372.4 (MANE Select); coding-DNA position 1194, C replaced by G.
Protein change: p.Ile398Met; replaces isoleucine 398 with methionine.
Molecular consequence: missense variant. On other transcripts: non-coding transcript variant (1).
Genome position (GRCh38, 1-based): chr8:140,371,121, G>C on the plus strand (C>G on the coding strand, the complement: TRAPPC9 is on the minus strand). VCF-style: chr8-140371121-G-C. GRCh37 (hg19) VCF-style: chr8-141381220-G-C.
Other names: c.1488C>G (NM_031466.5); c.1167C>G, p.Ile389Met (NM_001321646.2); c.1215C>G, p.Ile405Met (NM_001374682.1); c.1194C>G, p.Ile398Met (NM_001374683.1, NM_001374684.1, NM_031466.8); short protein forms I389M, I398M, I405M.
Identifiers: ClinVar variation 1957767 (VCV001957767.6), dbSNP rs587780484, ClinGen allele CA372317096.

ClinVar aggregate classification (germline): Uncertain significance. Review status: criteria provided, multiple submitters, no conflicts (2 of 4 stars). 2 submissions from 2 submitters: Uncertain significance (2). Last evaluated 2024-07-05.

Conditions:
Inborn genetic diseases. Identifiers: MedGen C0950123, MeSH D030342.

gnomAD v4.1: 1 of 1,614,148 alleles (0.000062%); highest among the groups gnomAD compares: Admixed American, 0.0017%; no homozygotes.

Submissions (2):

Ambry Genetics
Classification: Uncertain significance for Inborn genetic diseases. Last evaluated: 2024-07-05. Review status: criteria provided, single submitter. Criteria: Ambry Variant Classification Scheme 2023. Collection method: clinical testing. Allele origin: germline.

Labcorp Genetics (formerly Invitae), Labcorp
Classification: Uncertain significance. Last evaluated: 2022-08-19. Review status: criteria provided, single submitter. Criteria: Invitae Variant Classification Sherloc (09022015). Collection method: clinical testing. Allele origin: germline.
Comment: Algorithms developed to predict the effect of missense changes on protein structure and function are either unavailable or do not agree on the potential impact of this missense change (SIFT: "Not Available"; PolyPhen-2: "Probably Damaging"; Align-GVGD: "Not Available"). This sequence change replaces isoleucine, which is neutral and non-polar, with methionine, which is neutral and non-polar, at codon 496 of the TRAPPC9 protein (p.Ile496Met). This variant is present in population databases (no rsID available, gnomAD 0.003%). This variant has not been reported in the literature in individuals affected with TRAPPC9-related conditions. In summary, the available evidence is currently insufficient to determine the role of this variant in disease. Therefore, it has been classified as a Variant of Uncertain Significance.